The following is an entry in ClinVar:

ClinVar aggregate classification (germline): Uncertain significance (1 of 4 stars; one submission).

Submission:

GeneDx
Classification: Uncertain significance. Last evaluated: 2025-06-08. Review status: criteria provided, single submitter. Criteria: GeneDx Variant Classification Process June 2021. Collection method: clinical testing. Allele origin: germline. Affected: yes.
Comment: Not observed at significant frequency in large population cohorts (gnomAD); In silico analysis supports that this missense variant has a deleterious effect on protein structure/function; Has not been previously published as pathogenic or benign to our knowledge

NM_000489.6(ATRX):c.5861T>G (p.Val1954Gly)

Gene: ATRX (ATRX chromatin remodeler; minus strand). Cytogenetic location: Xq21.1.
Variant type: single nucleotide variant.
Coding change: c.5861T>G on transcript NM_000489.6 (MANE Select); coding-DNA position 5861, T replaced by G.
Protein change: p.Val1954Gly; replaces valine 1954 with glycine.
Molecular consequence: missense variant.
Genome position (GRCh38, 1-based): chrX:77,599,506, A>C on the plus strand (T>G on the coding strand, the complement: ATRX is on the minus strand). VCF-style: chrX-77599506-A-C. GRCh37 (hg19) VCF-style: chrX-76854975-A-C.
Other names: c.5747T>G, p.Val1916Gly (NM_138270.5); short protein forms V1916G, V1954G.
Identifiers: ClinVar variation 4538140 (VCV004538140.1).